The following is an entry in ClinVar:

NM_006218.4(PIK3CA):c.973A>G (p.Lys325Glu)

Gene: PIK3CA (phosphatidylinositol-4,5-bisphosphate 3-kinase catalytic subunit alpha; plus strand). Cytogenetic location: 3q26.32.
Variant type: single nucleotide variant.
Coding change: c.973A>G on transcript NM_006218.4 (MANE Select); coding-DNA position 973, A replaced by G.
Protein change: p.Lys325Glu; replaces lysine 325 with glutamic acid.
Molecular consequence: missense variant.
Genome position (GRCh38, 1-based): chr3:179,203,703, A>G. VCF-style: chr3-179203703-A-G. GRCh37 (hg19) VCF-style: chr3-178921491-A-G.
Other names: short protein forms K325E.
Identifiers: ClinVar variation 2495988 (VCV002495988.2), dbSNP rs1203909224, ClinGen allele CA355280895.

ClinVar aggregate classification (germline): Uncertain significance (1 of 4 stars; one submission).

Conditions:
Inborn genetic diseases. Identifiers: MedGen C0950123, MeSH D030342.

Allele frequency attached by ClinVar (database versions not stated): gnomAD exomes below 0.00001.

Submission:

Ambry Genetics
Classification: Uncertain significance for Inborn genetic diseases. Last evaluated: 2023-01-16. Review status: criteria provided, single submitter. Criteria: Ambry Variant Classification Scheme 2023. Collection method: clinical testing. Allele origin: germline.
Comment: The p.K325E variant (also known as c.973A>G), located in coding exon 4 of the PIK3CA gene, results from an A to G substitution at nucleotide position 973. The lysine at codon 325 is replaced by glutamic acid, an amino acid with similar properties. This amino acid position is conserved. In addition, this alteration is predicted to be deleterious by in silico analysis. Since supporting evidence is limited at this time, the clinical significance of this alteration remains unclear.